The following is an entry in ClinVar:

ClinVar aggregate classification (germline): Uncertain significance (1 of 4 stars; one submission).

Submission:

Labcorp Genetics (formerly Invitae), Labcorp
Classification: Uncertain significance. Last evaluated: 2024-12-03. Review status: criteria provided, single submitter. Criteria: Invitae Variant Classification Sherloc (09022015). Collection method: clinical testing. Allele origin: germline.
Comment: This variant, c.87_92dup, results in the insertion of 2 amino acid(s) of the ADGRA3 protein (p.Gly34_Gly35dup), but otherwise preserves the integrity of the reading frame. The frequency data for this variant in the population databases is considered unreliable, as metrics indicate insufficient coverage at this position in the gnomAD database. This variant has not been reported in the literature in individuals affected with ADGRA3-related conditions. ClinVar contains an entry for this variant (Variation ID: 1466616). Experimental studies and prediction algorithms are not available or were not evaluated, and the functional significance of this variant is currently unknown. In summary, the available evidence is currently insufficient to determine the role of this variant in disease. Therefore, it has been classified as a Variant of Uncertain Significance.

NM_145290.4(ADGRA3):c.87_92dup (p.Gly34_Gly35dup)

Gene: ADGRA3 (adhesion G protein-coupled receptor A3; minus strand). Cytogenetic location: 4p15.2.
Variant type: Duplication.
Coding change: c.87_92dup on transcript NM_145290.4 (MANE Select); coding-DNA positions 87 to 92, 6 bases duplicated (AGGCGG; older notation c.87_92dupAGGCGG).
Protein change: p.Gly34_Gly35dup.
Molecular consequence: inframe insertion.
Genome position (GRCh38, 1-based): chr4:22,515,693-22,515,698, CCGCCT duplicated on the plus strand (AGGCGG on the coding strand, the reverse complement: ADGRA3 is on the minus strand); duplicating any 6 consecutive bases within chr4:22,515,693-22,515,700 gives the same sequence; the c. name uses the placement nearest the transcript's 3' end. VCF-style (leftmost placement, unchanged base first): chr4-22515692-G-GCCGCCT. GRCh37 (hg19) VCF-style: chr4-22517315-G-GCCGCCT.
Identifiers: ClinVar variation 1466616 (VCV001466616.6), dbSNP rs1160177788, ClinGen allele CA793065442.